The following is an entry in ClinVar:

ClinVar aggregate classification (germline): Pathogenic (1 of 4 stars; one submission).

Conditions:
Spastic paraplegia. Identifiers: MedGen C0037772, HP:0001258.

Submission:

Labcorp Genetics (formerly Invitae), Labcorp
Classification: Pathogenic for Spastic paraplegia. Last evaluated: 2024-10-17. Review status: criteria provided, single submitter. Criteria: Invitae Variant Classification Sherloc (09022015). Collection method: clinical testing. Allele origin: germline.
Comment: This sequence change creates a premature translational stop signal (p.Trp169*) in the FA2H gene. It is expected to result in an absent or disrupted protein product. Loss-of-function variants in FA2H are known to be pathogenic (PMID: 20853438, 25496456, 25732363, 26344562). This variant is not present in population databases (gnomAD no frequency). This variant has not been reported in the literature in individuals affected with FA2H-related conditions. ClinVar contains an entry for this variant (Variation ID: 1963059). Algorithms developed to predict the effect of sequence changes on RNA splicing suggest that this variant may disrupt the consensus splice site. For these reasons, this variant has been classified as Pathogenic.

Literature cited by the submitters: PubMed 20853438; PubMed 25496456; PubMed 25732363; PubMed 26344562.

NM_024306.5(FA2H):c.506G>A (p.Trp169Ter)

Gene: FA2H (fatty acid 2-hydroxylase; minus strand). Cytogenetic location: 16q23.1.
Variant type: single nucleotide variant.
Coding change: c.506G>A on transcript NM_024306.5 (MANE Select); coding-DNA position 506, G replaced by A.
Protein change: p.Trp169Ter; replaces tryptophan 169 with a stop codon.
Molecular consequence: nonsense.
Genome position (GRCh38, 1-based): chr16:74,727,244, C>T on the plus strand (G>A on the coding strand, the complement: FA2H is on the minus strand). VCF-style: chr16-74727244-C-T. GRCh37 (hg19) VCF-style: chr16-74761142-C-T.
Other names: short protein forms W169*.
Identifiers: ClinVar variation 1963059 (VCV001963059.5), dbSNP rs2544327623, ClinGen allele CA396769982.